The following is an entry in ClinVar:

ClinVar aggregate classification (germline): Uncertain significance (1 of 4 stars; one submission).

Conditions:
Immunodeficiency 39 (IMD39). Identifiers: Orphanet 574918, MedGen C4225358, MONDO:0014597, OMIM 616345.

Allele frequency attached by ClinVar (database versions not stated): TOPMed below 0.00001; ExAC 0.00001; gnomAD 0.00001; gnomAD exomes 0.00002.
gnomAD v4.1: 86 of 1,610,006 alleles (0.0053%); highest among the groups gnomAD compares: Non-Finnish European, 0.0071%; no homozygotes.

Submission:

Labcorp Genetics (formerly Invitae), Labcorp
Classification: Uncertain significance for Immunodeficiency 39. Last evaluated: 2025-11-09. Review status: criteria provided, single submitter. Criteria: Invitae Variant Classification Sherloc (09022015). Collection method: clinical testing. Allele origin: germline.
Comment: This sequence change creates a premature translational stop signal (p.Trp469*) in the IRF7 gene. While this is not anticipated to result in nonsense mediated decay, it is expected to disrupt the last 48 amino acid(s) of the IRF7 protein. This variant is present in population databases (rs758818635, gnomAD 0.005%). This variant has not been reported in the literature in individuals affected with IRF7-related conditions. ClinVar contains an entry for this variant (Variation ID: 1061328). Experimental studies and prediction algorithms are not available or were not evaluated, and the functional significance of this variant is currently unknown. In summary, the available evidence is currently insufficient to determine the role of this variant in disease. Therefore, it has been classified as a Variant of Uncertain Significance.

NM_001572.5(IRF7):c.1368G>A (p.Trp456Ter)

Gene: IRF7 (interferon regulatory factor 7; minus strand). Cytogenetic location: 11p15.5.
Variant type: single nucleotide variant.
Coding change: c.1368G>A on transcript NM_001572.5 (MANE Select); coding-DNA position 1368, G replaced by A.
Protein change: p.Trp456Ter; replaces tryptophan 456 with a stop codon.
Molecular consequence: nonsense.
Genome position (GRCh38, 1-based): chr11:612,789, C>T on the plus strand (G>A on the coding strand, the complement: IRF7 is on the minus strand). VCF-style: chr11-612789-C-T. GRCh37 (hg19) VCF-style: chr11-612789-C-T.
Other names: c.1281G>A, p.Trp427Ter (NM_004029.4); c.1407G>A, p.Trp469Ter (NM_004031.4); short protein forms W427*, W456*, W469*.
Identifiers: ClinVar variation 1061328 (VCV001061328.7), dbSNP rs758818635, ClinGen allele CA5783458.